The following is an entry in ClinVar:

NM_001367561.1(DOCK7):c.3898C>A (p.Gln1300Lys)

Gene: DOCK7 (dedicator of cytokinesis 7; minus strand). Cytogenetic location: 1p31.3.
Variant type: single nucleotide variant.
Coding change: c.3898C>A on transcript NM_001367561.1 (MANE Select); coding-DNA position 3898, C replaced by A.
Protein change: p.Gln1300Lys; replaces glutamine 1300 with lysine.
Molecular consequence: missense variant.
Genome position (GRCh38, 1-based): chr1:62,528,189, G>T on the plus strand (C>A on the coding strand, the complement: DOCK7 is on the minus strand). VCF-style: chr1-62528189-G-T. GRCh37 (hg19) VCF-style: chr1-62993860-G-T.
Other names: c.3898C>A, p.Gln1300Lys (NM_001271999.2, NM_001330614.2); c.3805C>A, p.Gln1269Lys (NM_001272000.2, NM_001272001.2, NM_033407.4); short protein forms Q1269K, Q1300K.
Identifiers: ClinVar variation 1042306 (VCV001042306.6), dbSNP rs1423131635, ClinGen allele CA340599669.

ClinVar aggregate classification (germline): Uncertain significance (1 of 4 stars; one submission).

Conditions:
Developmental and epileptic encephalopathy, 23 (DEE23). Also called: Epileptic encephalopathy, early infantile, 23. Identifiers: Orphanet 411986, MedGen C4014492, MONDO:0014371, OMIM 615859.

Allele frequency attached by ClinVar (database versions not stated): gnomAD exomes below 0.00001.

Submission:

Labcorp Genetics (formerly Invitae), Labcorp
Classification: Uncertain significance for Developmental and epileptic encephalopathy, 23. Last evaluated: 2021-08-31. Review status: criteria provided, single submitter. Criteria: Invitae Variant Classification Sherloc (09022015). Collection method: clinical testing. Allele origin: germline.
Comment: This sequence change replaces glutamine with lysine at codon 1300 of the DOCK7 protein (p.Gln1300Lys). The glutamine residue is moderately conserved and there is a small physicochemical difference between glutamine and lysine. This variant is not present in population databases (ExAC no frequency). This variant has not been reported in the literature in individuals affected with DOCK7-related conditions. Algorithms developed to predict the effect of missense changes on protein structure and function (SIFT, PolyPhen-2, Align-GVGD) all suggest that this variant is likely to be tolerated. In summary, the available evidence is currently insufficient to determine the role of this variant in disease. Therefore, it has been classified as a Variant of Uncertain Significance.